The following is an entry in ClinVar:

ClinVar aggregate classification (germline): Uncertain significance. Review status: criteria provided, multiple submitters, no conflicts (2 of 4 stars). 2 submissions from 2 submitters: Uncertain significance (2). Last evaluated 2024-11-22.

Conditions:
Hereditary cancer-predisposing syndrome. Also called: Hereditary neoplastic syndrome; Hereditary Cancer Syndrome; Neoplastic Syndromes, Hereditary; Tumor predisposition. Identifiers: Orphanet 140162, MedGen C0027672, MeSH D009386, MONDO:0015356.
Multiple endocrine neoplasia, type 2 (MEN2). Identifiers: Orphanet 653, MedGen C4048306, MONDO:0019003. Disease mechanism: gain of function.

gnomAD v4.1: 1 of 1,600,528 alleles (0.000062%); no homozygotes.

Submissions (2):

Ambry Genetics
Classification: Uncertain significance for Hereditary cancer-predisposing syndrome. Last evaluated: 2024-11-22. Review status: criteria provided, single submitter. Criteria: Ambry Variant Classification Scheme 2023. Collection method: clinical testing. Allele origin: germline.
Comment: The p.Y752C variant (also known as c.2255A>G), located in coding exon 12 of the RET gene, results from an A to G substitution at nucleotide position 2255. The tyrosine at codon 752 is replaced by cysteine, an amino acid with highly dissimilar properties. This amino acid position is well conserved in available vertebrate species. In addition, this alteration is predicted to be deleterious by in silico analysis. Based on the available evidence, the clinical significance of this variant remains unclear.

Labcorp Genetics (formerly Invitae), Labcorp
Classification: Uncertain significance for Multiple endocrine neoplasia, type 2. Last evaluated: 2023-04-22. Review status: criteria provided, single submitter. Criteria: Invitae Variant Classification Sherloc (09022015). Collection method: clinical testing. Allele origin: germline.
Comment: In summary, the available evidence is currently insufficient to determine the role of this variant in disease. Therefore, it has been classified as a Variant of Uncertain Significance. An algorithm developed to predict the effect of missense changes on protein structure and function (PolyPhen-2) suggests that this variant is likely to be disruptive. ClinVar contains an entry for this variant (Variation ID: 1402378). This variant has not been reported in the literature in individuals affected with RET-related conditions. This variant is not present in population databases (gnomAD no frequency). This sequence change replaces tyrosine, which is neutral and polar, with cysteine, which is neutral and slightly polar, at codon 752 of the RET protein (p.Tyr752Cys).

NM_020975.6(RET):c.2255A>G (p.Tyr752Cys)

Gene: RET (ret proto-oncogene; plus strand). Cytogenetic location: 10q11.21.
Variant type: single nucleotide variant.
Coding change: c.2255A>G on transcript NM_020975.6 (MANE Select); coding-DNA position 2255, A replaced by G.
Protein change: p.Tyr752Cys; replaces tyrosine 752 with cysteine.
Molecular consequence: missense variant.
Genome position (GRCh38, 1-based): chr10:43,116,702, A>G. VCF-style: chr10-43116702-A-G. GRCh37 (hg19) VCF-style: chr10-43612150-A-G.
Other names: c.2255A>G, p.Tyr752Cys (NM_000323.2, NM_001406743.1, NM_001406744.1 and 4 more transcripts); c.1493A>G, p.Tyr498Cys (NM_001355216.2); c.2126A>G, p.Tyr709Cys (NM_001406761.1, NM_001406762.1, NM_001406764.1); c.2120A>G, p.Tyr707Cys (NM_001406763.1, NM_001406765.1); c.1967A>G, p.Tyr656Cys (NM_001406766.1, NM_001406767.1, NM_001406770.1); c.1991A>G, p.Tyr664Cys (NM_001406768.1); c.1859A>G, p.Tyr620Cys (NM_001406769.1, NM_001406772.1); c.1817A>G, p.Tyr606Cys (NM_001406771.1, NM_001406773.1); and 10 more; short protein forms Y498C, Y752C, Y357C, Y510C, Y606C, Y408C, Y413C, Y656C.
Identifiers: ClinVar variation 1402378 (VCV001402378.8), dbSNP rs909451217, ClinGen allele CA206263751.
Genomic context (GRCh38, chr10:43,116,702, plus strand): 5'-AAGGCGAATTTGGAAAAGTGGTCAAGGCAACGGCCTTCCATCTGAAAGGCAGAGCAGGGT[A>G]CACCACGGTGGCCGTGAAGATGCTGAAAGGTACCTGCCAGGCACAGGCACAGTGCCCCTG-3'
Protein context (NP_066124.1, residues 742-762): TAFHLKGRAG[Tyr752Cys]TTVAVKMLKE